The following is an entry in ClinVar:

NM_001082486.1(ACD):c.182C>G (p.Pro61Arg)

Gene: ACD (ACD shelterin complex subunit and telomerase recruitment factor; minus strand). Cytogenetic location: 16q22.1.
Variant type: single nucleotide variant.
Coding change: c.182C>G on transcript NM_001082486.1; coding-DNA position 182, C replaced by G.
Protein change: p.Pro61Arg; replaces proline 61 with arginine.
Genome position (GRCh38, 1-based): chr16:67,660,297, G>C on the plus strand (C>G on the coding strand, the complement: ACD is on the minus strand). VCF-style: chr16-67660297-G-C. GRCh37 (hg19) VCF-style: chr16-67694200-G-C.
Other names: short protein forms P61R.
Identifiers: ClinVar variation 2452449 (VCV002452449.2), dbSNP rs1179431836, ClinGen allele CA396359486.

ClinVar aggregate classification (germline): Uncertain significance (1 of 4 stars; one submission).

Conditions:
Inborn genetic diseases. Identifiers: MedGen C0950123, MeSH D030342.

Submission:

Ambry Genetics
Classification: Uncertain significance for Inborn genetic diseases. Last evaluated: 2023-01-26. Review status: criteria provided, single submitter. Criteria: Ambry Variant Classification Scheme 2023. Collection method: clinical testing. Allele origin: germline.
Comment: The p.P61R variant (also known as c.182C>G), located in coding exon 1 of the ACD gene, results from a C to G substitution at nucleotide position 182. The proline at codon 61 is replaced by arginine, an amino acid with dissimilar properties. This amino acid position is conserved. In addition, this alteration is predicted to be tolerated by in silico analysis. Since supporting evidence is limited at this time, the clinical significance of this alteration remains unclear.